The following is an entry in ClinVar:

ClinVar aggregate classification (germline): Uncertain significance (1 of 4 stars; one submission).

Submission:

Labcorp Genetics (formerly Invitae), Labcorp
Classification: Uncertain significance. Last evaluated: 2024-12-19. Review status: criteria provided, single submitter. Criteria: Invitae Variant Classification Sherloc (09022015). Collection method: clinical testing. Allele origin: germline.
Comment: This sequence change replaces isoleucine, which is neutral and non-polar, with valine, which is neutral and non-polar, at codon 682 of the FN1 protein (p.Ile682Val). This variant is not present in population databases (gnomAD no frequency). This variant has not been reported in the literature in individuals affected with FN1-related conditions. An algorithm developed to predict the effect of missense changes on protein structure and function outputs the following: PolyPhen-2: "Benign". The valine amino acid residue is found in multiple mammalian species, which suggests that this missense change does not adversely affect protein function. In summary, the available evidence is currently insufficient to determine the role of this variant in disease. Therefore, it has been classified as a Variant of Uncertain Significance.

NM_212482.4(FN1):c.2044A>G (p.Ile682Val)

Gene: FN1 (fibronectin 1; minus strand). Cytogenetic location: 2q35.
Variant type: single nucleotide variant.
Coding change: c.2044A>G on transcript NM_212482.4 (MANE Select); coding-DNA position 2044, A replaced by G.
Protein change: p.Ile682Val; replaces isoleucine 682 with valine.
Molecular consequence: missense variant.
Genome position (GRCh38, 1-based): chr2:215,410,012, T>C on the plus strand (A>G on the coding strand, the complement: FN1 is on the minus strand). VCF-style: chr2-215410012-T-C. GRCh37 (hg19) VCF-style: chr2-216274735-T-C.
Other names: c.2044A>G, p.Ile682Val (NM_001306129.2, NM_001306130.2, NM_001306131.2 and 13 more transcripts); short protein forms I682V.
Identifiers: ClinVar variation 3727678 (VCV003727678.2).